The following is an entry in ClinVar:

NM_002335.4(LRP5):c.3304G>A (p.Glu1102Lys)

Gene: LRP5 (LDL receptor related protein 5; plus strand). Cytogenetic location: 11q13.2.
Variant type: single nucleotide variant.
Coding change: c.3304G>A on transcript NM_002335.4 (MANE Select); coding-DNA position 3304, G replaced by A.
Protein change: p.Glu1102Lys; replaces glutamic acid 1102 with lysine.
Molecular consequence: missense variant.
Genome position (GRCh38, 1-based): chr11:68,425,169, G>A. VCF-style: chr11-68425169-G-A. GRCh37 (hg19) VCF-style: chr11-68192637-G-A.
Other names: c.1561G>A, p.Glu521Lys (NM_001291902.2); short protein forms E1102K, E521K.
Identifiers: ClinVar variation 1448468 (VCV001448468.7), dbSNP rs970458513, ClinGen allele CA224278389.

ClinVar aggregate classification (germline): Uncertain significance. Review status: criteria provided, multiple submitters, no conflicts (2 of 4 stars). 2 submissions from 2 submitters: Uncertain significance (2). Last evaluated 2024-04-08.

Conditions:
Autosomal dominant osteopetrosis 1 (OPTA1). Also called: OSTEOPETROSIS, AUTOSOMAL DOMINANT, TYPE I. Identifiers: Orphanet 2783, MedGen C1843330, MONDO:0011877, OMIM 607634.
Polycystic liver disease 4 with or without kidney cysts. Identifiers: MedGen C4693479, MONDO:0044327, OMIM 617875.
Exudative vitreoretinopathy 4 (EVR4). Identifiers: Orphanet 891, MedGen C1866176, MONDO:0011151, OMIM 601813.
Osteoporosis with pseudoglioma (OPPG). Also called: osteoporosis-pseudoglioma syndrome. Identifiers: Orphanet 2788, MedGen C0432252, MONDO:0009820, OMIM 259770.
Bone mineral density quantitative trait locus 1 (BMND1). Identifiers: MedGen C1866079, OMIM 601884.
Worth disease. Also called: Autosomal dominant osteosclerosis, Worth type; ENDOSTEAL HYPEROSTOSIS, AUTOSOMAL DOMINANT; OSTEOSCLEROSIS, AUTOSOMAL DOMINANT. Identifiers: Orphanet 2790, MedGen C0432273, MONDO:0007764, OMIM 144750.

Allele frequency attached by ClinVar (database versions not stated): gnomAD exomes 0.00002; TOPMed 0.00002.
gnomAD v4.1: 12 of 1,613,598 alleles (0.00074%); highest among the groups gnomAD compares: Admixed American, 0.0067%; no homozygotes.

Submissions (2):

Fulgent Genetics
Classification: Uncertain significance for Worth disease; Osteoporosis with pseudoglioma; Exudative vitreoretinopathy 4; Bone mineral density quantitative trait locus 1; Autosomal dominant osteopetrosis 1; Polycystic liver disease 4 with or without kidney cysts. Last evaluated: 2024-04-08. Review status: criteria provided, single submitter. Criteria: ACMG Guidelines, 2015. Collection method: clinical testing. Allele origin: germline.

Labcorp Genetics (formerly Invitae), Labcorp
Classification: Uncertain significance. Last evaluated: 2024-03-22. Review status: criteria provided, single submitter. Criteria: Invitae Variant Classification Sherloc (09022015). Collection method: clinical testing. Allele origin: germline.
Comment: This sequence change replaces glutamic acid, which is acidic and polar, with lysine, which is basic and polar, at codon 1102 of the LRP5 protein (p.Glu1102Lys). The frequency data for this variant in the population databases is considered unreliable, as metrics indicate poor data quality at this position in the gnomAD database. This missense change has been observed in individual(s) with autosomal dominant exudative vitreoretinopathy (PMID: 25711638). ClinVar contains an entry for this variant (Variation ID: 1448468). Advanced modeling of protein sequence and biophysical properties (such as structural, functional, and spatial information, amino acid conservation, physicochemical variation, residue mobility, and thermodynamic stability) has been performed at Invitae for this missense variant, however the output from this modeling did not meet the statistical confidence thresholds required to predict the impact of this variant on LRP5 protein function. In summary, the available evidence is currently insufficient to determine the role of this variant in disease. Therefore, it has been classified as a Variant of Uncertain Significance.

Literature cited by the submitters: PubMed 25711638 (cited by Labcorp Genetics (formerly Invitae), Labcorp).